The following is an entry in ClinVar:

ClinVar aggregate classification (germline): Uncertain significance (1 of 4 stars; one submission).

Submission:

GeneDx
Classification: Uncertain significance. Last evaluated: 2026-09-16. Review status: criteria provided, single submitter. Criteria: GeneDx Variant Classification Process June 2021. Collection method: clinical testing. Allele origin: germline.
Comment: Not observed at significant frequency in large population cohorts (gnomAD); In silico analysis supports that this missense variant has a deleterious effect on protein structure/function; Has not been previously published as pathogenic or benign to our knowledge; This substitution is predicted to be within the transmembrane segment S3 of the third homologous domain

NM_001040142.2(SCN2A):c.3866T>C (p.Leu1289Ser)

Gene: SCN2A (sodium voltage-gated channel alpha subunit 2; plus strand). Cytogenetic location: 2q24.3.
Variant type: single nucleotide variant.
Coding change: c.3866T>C on transcript NM_001040142.2 (MANE Select); coding-DNA position 3866, T replaced by C.
Protein change: p.Leu1289Ser; replaces leucine 1289 with serine.
Molecular consequence: missense variant.
Genome position (GRCh38, 1-based): chr2:165,373,241, T>C. VCF-style: chr2-165373241-T-C. GRCh37 (hg19) VCF-style: chr2-166229751-T-C.
Other names: c.3866T>C, p.Leu1289Ser (NM_001040143.2, NM_001371246.1, NM_001371247.1 and 1 more transcripts); short protein forms L1289S.
Identifiers: ClinVar variation 3899800 (VCV003899800.2).